The following continues an entry in ClinVar:

NM_001267550.2(TTN):c.10303+2T>C

Gene: TTN. ClinVar aggregate classification (germline): Conflicting classifications of pathogenicity. Pathogenic (1); Likely pathogenic (7); Uncertain significance (4).

Submissions 6 to 12 of 12:

Rady Children's Institute for Genomic Medicine, Rady Children's Hospital San Diego
Classification: Likely pathogenic for TTN-Related Disorders. Last evaluated: 2024-10-17. Review status: criteria provided, single submitter. Criteria: ACMG Guidelines, 2015. Collection method: clinical testing. Allele origin: germline. Affected: yes.
Comment: This variant affects the canonical splice donor site of intron 44 and is therefore predicted to interfere with splicing and result in loss of normal protein function through either protein truncation or nonsense-mediated mRNA decay. Loss-of-function variation in TTN is an established mechanism of disease (PMID: 22335739). This variant has been previously reported as a compound heterozygous change (PMID: 30429050, 34940998) and as a heterozygous change in individuals with TTN-related disorders (PMID: 31983221, 29892087). Furthermore, this variant has also been described in large cohort studies with limited phenotypic information (PMID: 34135346, 38438525, 31216868). The c.10303+2T>C variant is present in the latest version of the gnomAD population database at an allele frequency of 0.005% (86/1613976) and is absent in the homozygous state. Based on the available evidence, c.10303+2T>C is classified as Likely Pathogenic.

Blueprint Genetics
Classification: Likely pathogenic for TTN-related disorders. Last evaluated: 2024-03-22. Review status: criteria provided, single submitter. Criteria: ACMG Guidelines, 2015. Collection method: clinical testing. Allele origin: germline. Affected: yes. Observed: 5 variant alleles.

ARUP Laboratories, Molecular Genetics and Genomics, ARUP Laboratories
Classification: Pathogenic. Last evaluated: 2023-09-28. Review status: criteria provided, single submitter. Criteria: ARUP Molecular Germline Variant Investigation Process 2024. Collection method: clinical testing. Allele origin: germline.
Comment: The TTN c.10303+2T>C variant (rs371596417) is reported in the literature in multiple individuals with dilated cardiomyopathy or other cardiac disease (Jurgens 2022, Mazzarotto 2020), and is listed in ClinVar (Variation ID: 404786). This variant is only observed on three alleles in the Genome Aggregation Database, indicating it is not a common polymorphism. This variant disrupts the canonical splice donor site of intron 44, which is likely to negatively impact gene function. Based on available information, this variant is considered to be pathogenic. References: Jurgens SJ et al. Analysis of rare genetic variation underlying cardiometabolic diseases and traits among 200,000 individuals in the UK Biobank. Nat Genet. 2022 Mar;54(3):240-250. PMID: 35177841 Mazzarotto F et al. Reevaluating the Genetic Contribution of Monogenic Dilated Cardiomyopathy. Circulation. 2020 Feb 4;141(5):387-398. PMID: 31983221

AiLife Diagnostics
Classification: Likely pathogenic. Last evaluated: 2022-01-07. Review status: criteria provided, single submitter. Criteria: ACMG Guidelines, 2015. Collection method: clinical testing. Allele origin: germline. Affected: yes. Observed: 1 variant allele.

Revvity Omics, Revvity
Classification: Uncertain significance. Last evaluated: 2021-10-22. Review status: criteria provided, single submitter. Criteria: ACMG Guidelines, 2015. Collection method: clinical testing. Allele origin: germline.

CHEO Genetics Diagnostic Laboratory, Children's Hospital of Eastern Ontario
Classification: Uncertain significance for Cardiomyopathy. Last evaluated: 2019-11-19. Review status: criteria provided, single submitter. Criteria: ACMG Guidelines, 2015. Collection method: clinical testing. Allele origin: germline.

Eurofins Ntd Llc (ga)
Classification: Uncertain significance. Last evaluated: 2018-06-25. Review status: criteria provided, single submitter. Criteria: EGL ClinVar v180209 classification definitions. Collection method: clinical testing. Allele origin: germline. Observed: 1 variant allele, 1 heterozygote.

Literature cited by the submitters: PubMed 29691892 (cited by 4 submitters); PubMed 29892087 (cited by 4 submitters); PubMed 30429050 (cited by Ambry Genetics and Victorian Clinical Genetics Services, Murdoch Childrens Research Institute); PubMed 31983221 (cited by 3 submitters); PubMed 33060286 (cited by Ambry Genetics); PubMed 25589632 (cited by Victorian Clinical Genetics Services, Murdoch Childrens Research Institute and Labcorp Genetics (formerly Invitae), Labcorp); PubMed 34940998 (cited by Victorian Clinical Genetics Services, Murdoch Childrens Research Institute and Labcorp Genetics (formerly Invitae), Labcorp); PubMed 23975875 (cited by Labcorp Genetics (formerly Invitae), Labcorp); PubMed 27869827 (cited by Labcorp Genetics (formerly Invitae), Labcorp); PubMed 32964742 (cited by Labcorp Genetics (formerly Invitae), Labcorp); PubMed 34135346 (cited by AiLife Diagnostics); PubMed 32778822 (cited by AiLife Diagnostics).